The following is an entry in ClinVar:

ClinVar aggregate classification (germline): Pathogenic (1 of 4 stars; one submission).

Conditions:
Hereditary cancer-predisposing syndrome. Also called: Neoplastic Syndromes, Hereditary; Tumor predisposition; Hereditary Cancer Syndrome; Hereditary neoplastic syndrome. Identifiers: Orphanet 140162, MedGen C0027672, MeSH D009386, MONDO:0015356.

Submission:

Ambry Genetics
Classification: Pathogenic for Hereditary cancer-predisposing syndrome. Last evaluated: 2021-04-22. Review status: criteria provided, single submitter. Criteria: Ambry Variant Classification Scheme 2023. Collection method: clinical testing. Allele origin: germline.
Comment: The c.88delG pathogenic mutation, located in coding exon 3 of the BAP1 gene, results from a deletion of one nucleotide at nucleotide position 88, causing a translational frameshift with a predicted alternate stop codon (p.E30Rfs*42). This variant is considered to be rare based on population cohorts in the Genome Aggregation Database (gnomAD). This nucleotide position is highly conserved in available vertebrate species. This alteration is expected to result in loss of function by premature protein truncation or nonsense-mediated mRNA decay. As such, this alteration is interpreted as a disease-causing mutation.

NM_004656.4(BAP1):c.88del (p.Glu30fs)

Gene: BAP1 (BRCA1 associated deubiquitinase 1; minus strand). Cytogenetic location: 3p21.1.
Variant type: Deletion.
Coding change: c.88del on transcript NM_004656.4 (MANE Select); coding-DNA position 88, one base deleted (G; older notation c.88delG).
Protein change: p.Glu30fs; shifts the reading frame from glutamic acid 30.
Molecular consequence: frameshift variant.
Genome position (GRCh38, 1-based): chr3:52,409,588, C deleted on the plus strand (G on the coding strand, the reverse complement: BAP1 is on the minus strand); the first of 2 consecutive C bases (chr3:52,409,588-52,409,589); deleting either gives the same sequence. VCF-style (leftmost placement, unchanged base first): chr3-52409587-TC-T. GRCh37 (hg19) VCF-style: chr3-52443603-TC-T.
Other names: c.87delG, p.Glu30Argfs (NM_001410772.1); c.88delG (NM_004656.2); short protein forms E30fs.
Identifiers: ClinVar variation 1765044 (VCV001765044.2), dbSNP rs2471364423, ClinGen allele CA2580070320.